The following is an entry in ClinVar:

ClinVar aggregate classification (germline): Uncertain significance (1 of 4 stars; one submission).

Conditions:
Charcot-Marie-Tooth disease axonal type 2V. Also called: CHARCOT-MARIE-TOOTH DISEASE, AXONAL, AUTOSOMAL DOMINANT, TYPE 2V; CHARCOT-MARIE-TOOTH NEUROPATHY, TYPE 2V. Identifiers: Orphanet 447964, MedGen C5569050, MONDO:0014665, OMIM 616491.
Mucopolysaccharidosis, MPS-III-B (MPS3B). Also called: N-ACETYL-ALPHA-D-GLUCOSAMINIDASE DEFICIENCY; NAGLU DEFICIENCY; SANFILIPPO SYNDROME B; MPS IIIB (Sanfilippo Syndrome Type B); MPS III B; Mucopolysaccharidosis type IIIB (Sanfilippo B). Identifiers: Orphanet 79270, MedGen C0086648, MONDO:0009656, OMIM 252920.

Submission:

Labcorp Genetics (formerly Invitae), Labcorp
Classification: Uncertain significance for Charcot-Marie-Tooth disease axonal type 2V; Mucopolysaccharidosis, MPS-III-B. Last evaluated: 2022-05-17. Review status: criteria provided, single submitter. Criteria: Invitae Variant Classification Sherloc (09022015). Collection method: clinical testing. Allele origin: germline.
Comment: A copy number gain of the genomic region encompassing the full coding sequence of the NAGLU gene has been identified. The boundaries of this event are unknown as they extend beyond the assayed region for this gene and therefore may encompass additional genes. As the precise location of this event is unknown, it may be in tandem or it may be located elsewhere in the genome. This variant has not been reported in the literature in individuals affected with NAGLU-related conditions. In summary, the available evidence is currently insufficient to determine the role of this variant in disease. Therefore, it has been classified as a Variant of Uncertain Significance.

NC_000017.10:g.(?_40688291)_(40729741_?)dup

Genes: PSMC3IP (PSMC3 interacting protein; minus strand), COASY (Coenzyme A synthase; plus strand), HSD17B1 (hydroxysteroid 17-beta dehydrogenase 1; plus strand), MLX (MAX dimerization protein MLX; plus strand), NAGLU (N-acetyl-alpha-glucosaminidase; plus strand). Cytogenetic location: 17q21.2.
Variant type: Duplication.
Identifiers: ClinVar variation 2422709 (VCV002422709.3).